The following is an entry in ClinVar:

NM_020812.4(DOCK6):c.5106G>A (p.Ala1702=)

Genes: DOCK6 (dedicator of cytokinesis 6; minus strand), DOCK6-AS1 (DOCK6 antisense RNA 1; plus strand). Cytogenetic location: 19p13.2.
Variant type: single nucleotide variant.
Coding change: c.5106G>A on transcript NM_020812.4 (MANE Select); coding-DNA position 5106, G replaced by A.
Protein change: p.Ala1702=; no amino-acid change (alanine 1702 retained).
Molecular consequence: synonymous variant.
Genome position (GRCh38, 1-based): chr19:11,204,314, C>T on the plus strand (G>A on the coding strand, the complement: DOCK6 is on the minus strand). VCF-style: chr19-11204314-C-T. GRCh37 (hg19) VCF-style: chr19-11314990-C-T.
Other names: c.5211G>A, p.Ala1737= (NM_001367830.1).
Identifiers: ClinVar variation 729541 (VCV000729541.33), dbSNP rs375692275, ClinGen allele CA9206618.

ClinVar aggregate classification (germline): Likely benign. Review status: criteria provided, multiple submitters, no conflicts (2 of 4 stars). 2 submissions from 2 submitters: Likely benign (2). Last evaluated 2024-12-16.

Allele frequency attached by ClinVar (database versions not stated): TOPMed 0.00006; gnomAD 0.00007 and 0.00009; 1000 Genomes Project 0.00020; 1000 Genomes Project 30x 0.00031; ESP Exome Variant Server 0.00008; ExAC 0.00009.
gnomAD v4.1: 248 of 1,611,532 alleles (0.015%); highest among the groups gnomAD compares: East Asian, 0.036%; no homozygotes.

Submissions (2):

Labcorp Genetics (formerly Invitae), Labcorp
Classification: Likely benign. Last evaluated: 2024-12-16. Review status: criteria provided, single submitter. Criteria: Invitae Variant Classification Sherloc (09022015). Collection method: clinical testing. Allele origin: germline.

CeGaT Center for Human Genetics Tuebingen
Classification: Likely benign. Last evaluated: 2023-06-01. Review status: criteria provided, single submitter. Criteria: CeGaT Center For Human Genetics Tuebingen Variant Classification Criteria Version 2. Collection method: clinical testing. Allele origin: germline. Affected: yes. Observed: 1 variant allele.
Comment: DOCK6: BP4, BP7